The following is an entry in ClinVar:

ClinVar aggregate classification (germline): Conflicting classifications of pathogenicity. Review status: criteria provided, conflicting classifications (1 of 4 stars). 9 submissions from 9 submitters: Pathogenic (4); Likely pathogenic (2); Uncertain significance (1). 2 of the submissions do not count toward it. Last evaluated 2024-12-26.

Conditions:
Inborn genetic diseases. Identifiers: MedGen C0950123, MeSH D030342.
TMEM240-related disorder. Also called: TMEM240-related condition.
Spinocerebellar ataxia type 21 (SCA21). Identifiers: Orphanet 98773, MedGen C1843891, MONDO:0011833, OMIM 607454.

Submissions (9):

3billion
Classification: Likely pathogenic for Spinocerebellar ataxia type 21. Last evaluated: 2024-12-26. Review status: criteria provided, single submitter. Criteria: ACMG Guidelines, 2015. Collection method: clinical testing. Allele origin: germline. Affected: yes.
Comment: The variant is not observed in the gnomAD v4.1.0 dataset. Predicted Consequence/Location: Missense variant In silico tool predictions suggest damaging effect of the variant on gene or gene product [REVEL: 0.60 (>=0.6, sensitivity 0.68 and specificity 0.92); 3Cnet: 0.88 (>=0.6, sensitivity 0.72 and precision 0.9)]. The same nucleotide change resulting in the same amino acid change has been previously reported as pathogenic/likely pathogenic and of uncertain significance (ClinVar ID: VCV000372833 /PMID: 30522958). Therefore, this variant is classified as Likely pathogenic according to the recommendation of ACMG/AMP guideline.

CeGaT Center for Human Genetics Tuebingen
Classification: Pathogenic. Last evaluated: 2023-07-01. Review status: criteria provided, single submitter. Criteria: CeGaT Center For Human Genetics Tuebingen Variant Classification Criteria Version 2. Collection method: clinical testing. Allele origin: germline. Affected: yes. Observed: 1 variant allele.
Comment: TMEM240: PP1:Strong, PM2, PM6, PS4:Moderate, PP3

Labcorp Genetics (formerly Invitae), Labcorp
Classification: Pathogenic. Last evaluated: 2022-08-04. Review status: criteria provided, single submitter. Criteria: Invitae Variant Classification Sherloc (09022015). Collection method: clinical testing. Allele origin: germline.
Comment: For these reasons, this variant has been classified as Pathogenic. Algorithms developed to predict the effect of sequence changes on RNA splicing suggest that this variant may disrupt the consensus splice site. Algorithms developed to predict the effect of missense changes on protein structure and function (SIFT, PolyPhen-2, Align-GVGD) all suggest that this variant is likely to be disruptive. ClinVar contains an entry for this variant (Variation ID: 372833). This missense change has been observed in individual(s) with clinical features of TMEM240-related spinocerebellar ataxia (PMID: 30522958; Invitae). In at least one individual the variant was observed to be de novo. This variant is not present in population databases (gnomAD no frequency). This sequence change replaces glycine, which is neutral and non-polar, with arginine, which is basic and polar, at codon 66 of the TMEM240 protein (p.Gly66Arg).

Molecular Medicine for Neurodegenerative and Neuromuscular Diseases Unit, IRCCS Fondazione Stella Maris
Classification: Pathogenic for Spinocerebellar ataxia type 21. Last evaluated: 2021-01-04. Review status: criteria provided, single submitter. Criteria: ACMG Guidelines, 2015. Collection method: research. Allele origin: de novo. Affected: yes.

Blueprint Genetics
Classification: Pathogenic for TMEM240-related disorders. Last evaluated: 2020-06-24. Review status: criteria provided, single submitter. Criteria: ACMG Guidelines, 2015. Collection method: clinical testing. Allele origin: de novo. Affected: yes. Observed: 4 variant alleles.

Ambry Genetics
Classification: Uncertain significance for Inborn genetic diseases. Last evaluated: 2020-03-31. Review status: criteria provided, single submitter. Criteria: Ambry Variant Classification Scheme 2023. Collection method: clinical testing. Allele origin: germline.
Comment: The alteration results in an amino acid change:_x000D_ _x000D_ The c.196G>A (p.G66R) alteration is located in coding exon 3 of the TMEM240 gene. This alteration results from a G to A substitution at nucleotide position 196, causing the glycine (G) at amino acid position 66 to be replaced by an arginine (R). The alteration is not observed in population databases: _x000D_ _x000D_ Based on data from the Genome Aggregation Database (gnomAD) database, the TMEM240 c.196G>A alteration was not observed, with coverage at this position. The alteration has been observed in affected individuals:_x000D_ _x000D_ This alteration was described in 2 siblings with childhood-onset cerebellar ataxia, posural tremor, hypmimia, motor delay, intellectual disability, and behavioral abnormalities (Trasch&uuml;tz, 2019). The altered amino acid is conserved throughout evolution:_x000D_ _x000D_ The p.G66 amino acid is conserved in available vertebrate species. The alteration is predicted inconclusive by in silico modeling:_x000D_ _x000D_ The in silico prediction for the p.G66R alteration is inconclusive. Based on insufficient or conflicting evidence, the clinical significance of this alteration remains unclear.

GeneDx
Classification: Likely pathogenic. Last evaluated: 2016-01-27. Review status: criteria provided, single submitter. Criteria: GeneDx Variant Classification (06012015). Collection method: clinical testing. Allele origin: germline. Affected: yes.
Comment: The G66R variant in the TMEM240 gene has not been reported previously as a pathogenic variant, nor as a benign variant, to our knowledge. The G66R variant was not observed in approximately 2300 individuals of European and African American ancestry in the NHLBI Exome Sequencing Project, indicating it is not a common benign variant in these populations. The G66R variant is a non-conservative amino acid substitution, which is likely to impact secondary protein structure as these residues differ in polarity, charge, size and/or other properties. This substitution occurs at a position that is conserved across species. In silico analysis predicts this variant is probably damaging to the protein structure/function. Therefore, we interpret G66R as a likely pathogenic variant.

Solve-RD Consortium
Classification: Likely pathogenic for Spinocerebellar ataxia type 21. Last evaluated: 2022-06-01. Review status: no assertion criteria provided. Collection method: provider interpretation. Allele origin: inherited. Affected: yes. Not counted in ClinVar's aggregate classification.
Comment: Variant confirmed as disease-causing by referring clinical team

Variant identified during reanalysis of unsolved cases by the Solve-RD project. The Solve-RD project has received funding from the European Union’s Horizon 2020 research and innovation programme under grant agreement No 779257.

Genomics England Pilot Project, Genomics England
Classification: Likely pathogenic for Spinocerebellar ataxia type 21. Review status: no assertion criteria provided. Criteria: ACGS Guidelines, 2016. Collection method: clinical testing. Allele origin: germline. Affected: yes. Not counted in ClinVar's aggregate classification.

Literature cited by the submitters: PubMed 30522958 (cited by 3 submitters); PubMed 39825153 (cited by Solve-RD Consortium).

NM_001114748.2(TMEM240):c.196G>A (p.Gly66Arg)

Gene: TMEM240 (transmembrane protein 240; minus strand). Cytogenetic location: 1p36.33.
Variant type: single nucleotide variant.
Coding change: c.196G>A on transcript NM_001114748.2 (MANE Select); coding-DNA position 196, G replaced by A.
Protein change: p.Gly66Arg; replaces glycine 66 with arginine.
Molecular consequence: missense variant.
Genome position (GRCh38, 1-based): chr1:1,535,766, C>T on the plus strand (G>A on the coding strand, the complement: TMEM240 is on the minus strand). VCF-style: chr1-1535766-C-T. GRCh37 (hg19) VCF-style: chr1-1471146-C-T.
Other names: short protein forms G66R.
Identifiers: ClinVar variation 372833 (VCV000372833.42), dbSNP rs1057518011, ClinGen allele CA16042311.
Genomic context (GRCh38, chr1:1,535,766, plus strand): 5'-GCTTGGTCACACTGTCCGTCACAAAGTAGTTCTCGGAGGCGTCCACCACCGACTGGTCCC[C>T]GTCGTACGGGATCACGTAGTGGATATGGTGCCTGGGGGCGGCAGGGCGGGCTGGCACCTC-3'
Protein context (NP_001108220.1, residues 56-76): HHIHYVIPYD[Gly66Arg]DQSVVDASEN